The following is an entry in ClinVar:

NM_022168.4(IFIH1):c.2808-3T>C

Gene: IFIH1 (interferon induced with helicase C domain 1; minus strand). Cytogenetic location: 2q24.2.
Variant type: single nucleotide variant.
Coding change: c.2808-3T>C on transcript NM_022168.4 (MANE Select); 3 bases into the intron before coding-DNA position 2808, T replaced by C.
Molecular consequence: intron variant.
Genome position (GRCh38, 1-based): chr2:162,267,572, A>G on the plus strand (T>C on the coding strand, the complement: IFIH1 is on the minus strand). VCF-style: chr2-162267572-A-G. GRCh37 (hg19) VCF-style: chr2-163124082-A-G.
Identifiers: ClinVar variation 1017662 (VCV001017662.8), dbSNP rs1690950904, ClinGen allele CA1038591935.

ClinVar aggregate classification (germline): Uncertain significance (1 of 4 stars; one submission).

Conditions:
Singleton-Merten syndrome 1 (SGMRT1). Also called: Widened medullary cavities of bone, aortic calcification, abnormal dentition, and muscular weakness; Syndrome of widened medullary cavities of the metacarpals and phalanges, aortic calcification and abnormal dentition. Identifiers: Orphanet 85191, MedGen C4225427, MONDO:0024535, OMIM 182250.
Aicardi-Goutieres syndrome 7 (AGS7). Identifiers: Orphanet 51, MedGen C3888244, MONDO:0014367, OMIM 615846.

Allele frequency attached by ClinVar (database versions not stated): TOPMed below 0.00001; gnomAD 0.00001.

Submission:

Labcorp Genetics (formerly Invitae), Labcorp
Classification: Uncertain significance for Aicardi-Goutieres syndrome 7; Singleton-Merten syndrome 1. Last evaluated: 2024-08-11. Review status: criteria provided, single submitter. Criteria: Invitae Variant Classification Sherloc (09022015). Collection method: clinical testing. Allele origin: germline.
Comment: This sequence change falls in intron 14 of the IFIH1 gene. It does not directly change the encoded amino acid sequence of the IFIH1 protein. It affects a nucleotide within the consensus splice site. This variant is not present in population databases (gnomAD no frequency). This variant has not been reported in the literature in individuals affected with IFIH1-related conditions. ClinVar contains an entry for this variant (Variation ID: 1017662). Variants that disrupt the consensus splice site are a relatively common cause of aberrant splicing (PMID: 17576681, 9536098). Algorithms developed to predict the effect of sequence changes on RNA splicing suggest that this variant is not likely to affect RNA splicing. In summary, the available evidence is currently insufficient to determine the role of this variant in disease. Therefore, it has been classified as a Variant of Uncertain Significance.

Literature cited by the submitters: PubMed 17576681; PubMed 9536098.